The following is an entry in ClinVar:

ClinVar aggregate classification (germline): Uncertain significance. Review status: criteria provided, multiple submitters, no conflicts (2 of 4 stars). 2 submissions from 2 submitters: Uncertain significance (2). Last evaluated 2024-12-19.

Conditions:
Familial hypocalciuric hypercalcemia (FHH). Also called: Familial benign hypercalcemia. Identifiers: Orphanet 405, MedGen C1809471, MONDO:0018458.
Autosomal dominant hypocalcemia 1 (HYPOC1). Also called: HYPOCALCEMIA, FAMILIAL. Identifiers: MedGen C3715128, MONDO:0011013, OMIM 601198.

Submissions (2):

GeneDx
Classification: Uncertain significance. Last evaluated: 2024-12-19. Review status: criteria provided, single submitter. Criteria: GeneDx Variant Classification Process June 2021. Collection method: clinical testing. Allele origin: germline. Affected: yes.
Comment: Not observed at significant frequency in large population cohorts (gnomAD); In silico analysis supports that this missense variant has a deleterious effect on protein structure/function; Has not been previously published as pathogenic or benign to our knowledge

Labcorp Genetics (formerly Invitae), Labcorp
Classification: Uncertain significance for Familial hypocalciuric hypercalcemia; Autosomal dominant hypocalcemia 1. Last evaluated: 2024-08-14. Review status: criteria provided, single submitter. Criteria: Invitae Variant Classification Sherloc (09022015). Collection method: clinical testing. Allele origin: germline.
Comment: This sequence change replaces phenylalanine, which is neutral and non-polar, with cysteine, which is neutral and slightly polar, at codon 662 of the CASR protein (p.Phe662Cys). This variant is not present in population databases (gnomAD no frequency). This variant has not been reported in the literature in individuals affected with CASR-related conditions. An algorithm developed to predict the effect of missense changes on protein structure and function (PolyPhen-2) suggests that this variant is likely to be disruptive. In summary, the available evidence is currently insufficient to determine the role of this variant in disease. Therefore, it has been classified as a Variant of Uncertain Significance.

NM_000388.4(CASR):c.1985T>G (p.Phe662Cys)

Gene: CASR (calcium sensing receptor; plus strand). Cytogenetic location: 3q21.1.
Variant type: single nucleotide variant.
Coding change: c.1985T>G on transcript NM_000388.4 (MANE Select); coding-DNA position 1985, T replaced by G.
Protein change: p.Phe662Cys; replaces phenylalanine 662 with cysteine.
Molecular consequence: missense variant.
Genome position (GRCh38, 1-based): chr3:122,283,939, T>G. VCF-style: chr3-122283939-T-G. GRCh37 (hg19) VCF-style: chr3-122002786-T-G.
Other names: c.1985T>G (NM_000388.3); c.2015T>G, p.Phe672Cys (NM_001178065.2); short protein forms F662C, F672C.
Identifiers: ClinVar variation 3757671 (VCV003757671.3).